The following is an entry in ClinVar:

NM_001370298.3(FGD4):c.875_878del (p.Ser292fs)

Gene: FGD4 (FYVE, RhoGEF and PH domain containing 4; plus strand). Cytogenetic location: 12p11.21.
Variant type: Deletion.
Coding change: c.875_878del on transcript NM_001370298.3 (MANE Select); coding-DNA positions 875 to 878, 4 bases deleted (GCTA; older notation c.875_878delGCTA).
Protein change: p.Ser292fs; shifts the reading frame from serine 292.
Molecular consequence: frameshift variant. On other transcripts: 5 prime UTR variant (2), non-coding transcript variant (1), intron variant (1).
Genome position (GRCh38, 1-based): chr12:32,582,331-32,582,334, GCTA deleted; deleting any 4 consecutive bases within chr12:32,582,329-32,582,334 gives the same sequence; the c. name uses the placement nearest the transcript's 3' end. VCF-style (leftmost placement, unchanged base first): chr12-32582328-GTAGC-G. GRCh37 (hg19) VCF-style: chr12-32735262-GTAGC-G.
Other names: c.719_722del, p.Ser240fs (NM_001304481.2); c.-381_-378del (NM_001304483.2); c.-688_-685del (NM_001304484.2); c.185_188del, p.Ser62fs (NM_001330373.2, NM_001330374.2, NM_001384130.1); c.875_878del, p.Ser292fs (NM_001384126.1); c.464_467del, p.Ser155fs (NM_001384127.1, NM_001384128.1, NM_001384131.1 and 3 more transcripts); c.49-16166_49-16163del (NM_001370297.1); short protein forms S155fs, S240fs, S292fs, S62fs.
Identifiers: ClinVar variation 2642835 (VCV002642835.24), dbSNP rs2540548302, ClinGen allele CA2695199059.

ClinVar aggregate classification (germline): Pathogenic (1 of 4 stars; one submission).

Submission:

CeGaT Center for Human Genetics Tuebingen
Classification: Pathogenic. Last evaluated: 2023-10-01. Review status: criteria provided, single submitter. Criteria: CeGaT Center For Human Genetics Tuebingen Variant Classification Criteria Version 2. Collection method: clinical testing. Allele origin: germline. Affected: yes. Observed: 1 variant allele.
Comment: FGD4: PVS1, PM2